The following is an entry in ClinVar:

NM_032242.4(PLXNA1):c.2405T>C (p.Ile802Thr)

Gene: PLXNA1 (plexin A1; plus strand). Cytogenetic location: 3q21.3.
Variant type: single nucleotide variant.
Coding change: c.2405T>C on transcript NM_032242.4 (MANE Select); coding-DNA position 2405, T replaced by C.
Protein change: p.Ile802Thr; replaces isoleucine 802 with threonine.
Molecular consequence: missense variant.
Genome position (GRCh38, 1-based): chr3:127,014,111, T>C. VCF-style: chr3-127014111-T-C. GRCh37 (hg19) VCF-style: chr3-126732954-T-C.
Other names: short protein forms I802T.
Identifiers: ClinVar variation 4986525 (VCV004986525.1).
Genomic context (GRCh38, chr3:127,014,111, plus strand): 5'-TGCCAGTGAACCTGTCAGTCGTGTGGAACGGCAACTTTGTCATTGACAACCCACAGAACA[T>C]CCAGGGTGAGTGGGCGCCCCGGCGGGGTGGGCAGTGGGCGGGCCCGAGCTGACCGCACCC-3'
Protein context (NP_115618.3, residues 792-812): GNFVIDNPQN[Ile802Thr]QAHLYKCPAL

ClinVar aggregate classification (germline): Uncertain significance (1 of 4 stars; one submission).

Conditions:
PLXNA1-related disorder. Also called: PLXNA1-related condition.

Submission:

PreventionGenetics, part of Exact Sciences
Classification: Uncertain significance for PLXNA1-related condition. Last evaluated: 2025-04-28. Review status: criteria provided, single submitter. Criteria: ACMG Guidelines, 2015. Collection method: clinical testing. Allele origin: germline.
Comment: The PLXNA1 c.2405T>C variant is predicted to result in the amino acid substitution p.Ile802Thr. To our knowledge, this variant has not been reported in the literature. This variant is reported in 0.012% of alleles in individuals of African descent in gnomAD. At this time, the clinical significance of this variant is uncertain due to the absence of conclusive functional and genetic evidence.